The following is an entry in ClinVar:

ClinVar aggregate classification (germline): Uncertain significance (1 of 4 stars; one submission).

Submission:

GeneDx
Classification: Uncertain significance. Last evaluated: 2025-06-04. Review status: criteria provided, single submitter. Criteria: GeneDx Variant Classification Process June 2021. Collection method: clinical testing. Allele origin: germline. Affected: yes.
Comment: Not observed at significant frequency in large population cohorts (gnomAD); In silico analysis supports that this missense variant has a deleterious effect on protein structure/function; Has not been previously published as pathogenic or benign to our knowledge

NM_021224.6(ZNF462):c.4847C>T (p.Pro1616Leu)

Gene: ZNF462 (zinc finger protein 462; plus strand). Cytogenetic location: 9q31.2.
Variant type: single nucleotide variant.
Coding change: c.4847C>T on transcript NM_021224.6 (MANE Select); coding-DNA position 4847, C replaced by T.
Protein change: p.Pro1616Leu; replaces proline 1616 with leucine.
Molecular consequence: missense variant. On other transcripts: intron variant (1).
Genome position (GRCh38, 1-based): chr9:106,928,759, C>T. VCF-style: chr9-106928759-C-T. GRCh37 (hg19) VCF-style: chr9-109691040-C-T.
Other names: c.3252+1595C>T (NM_001347997.2); short protein forms P1616L.
Identifiers: ClinVar variation 4536422 (VCV004536422.1).